The following is an entry in ClinVar:

ClinVar aggregate classification (germline): Uncertain significance (1 of 4 stars; one submission).

Conditions:
Hereditary cancer-predisposing syndrome. Also called: Hereditary Cancer Syndrome; Neoplastic Syndromes, Hereditary; Tumor predisposition; Hereditary neoplastic syndrome. Identifiers: Orphanet 140162, MedGen C0027672, MeSH D009386, MONDO:0015356.

Submission:

Ambry Genetics
Classification: Uncertain significance for Hereditary cancer-predisposing syndrome. Last evaluated: 2026-08-25. Review status: criteria provided, single submitter. Criteria: Ambry Variant Classification Scheme 2023. Collection method: clinical testing. Allele origin: germline.
Comment: The c.2418_2422dupGCTTG variant, located in coding exon 16 of the CTNNA1 gene, results from a duplication of GCTTG at nucleotide position 2418, causing a translational frameshift with a predicted alternate stop codon (p.V808Gfs*13). This variant occurs at the 3' terminus of the gene, is not expected to trigger nonsense-mediated mRNAdecay, and impacts the last 11% of the protein. The exact functional effect of this variant is unknown. Based on the available evidence, the clinical significance of this variant remains unclear.

NM_001903.5(CTNNA1):c.2418_2422dup (p.Val808fs)

Gene: CTNNA1 (catenin alpha 1; plus strand). Cytogenetic location: 5q31.2.
Variant type: Duplication.
Coding change: c.2418_2422dup on transcript NM_001903.5 (MANE Select); coding-DNA positions 2418 to 2422, 5 bases duplicated (GCTTG; older notation c.2418_2422dupGCTTG).
Protein change: p.Val808fs; shifts the reading frame from valine 808.
Molecular consequence: frameshift variant. On other transcripts: intron variant (1).
Genome position (GRCh38, 1-based): chr5:138,932,697-138,932,701, GCTTG duplicated. VCF-style (leftmost placement, unchanged base first): chr5-138932696-A-AGCTTG. GRCh37 (hg19) VCF-style: chr5-138268385-A-AGCTTG.
Other names: c.1215_1219dup, p.Val407fs (NM_001324011.1); c.1065_1069dup, p.Val357fs (NM_001324012.1, NM_001324013.1); c.1189-1105_1189-1101dup (NM_001324001.1); c.1308_1312dup, p.Val438fs (NM_001323993.1, NM_001323994.1, NM_001323995.1 and 16 more transcripts); c.969_973dup, p.Val325fs (NM_001324006.1, NM_001324007.1, NM_001324008.1 and 2 more transcripts); c.2418_2422dup, p.Val808fs (NM_001290307.3, NM_001323982.2, NM_001323983.1 and 2 more transcripts); c.2109_2113dup, p.Val705fs (NM_001290309.3); c.2049_2053dup, p.Val685fs (NM_001290310.3); and 1 more; short protein forms V685fs, V357fs, V777fs, V808fs, V325fs, V407fs, V438fs, V705fs.
Identifiers: ClinVar variation 5035013 (VCV005035013.1).
Genomic context (GRCh38, chr5:138,932,696, plus strand): 5'-ACTGCCACCAGCTGAACATCTGCAGCAAGGTCAAGGCCGAGGTGCAGAATCTCGGCGGGG[A>AGCTTG]GCTTGTTGTCTCTGGGGTAAGCATTAGCTGAACAAAAAGAGGGCCAGTGGGAACGTGCTG-3'